The following is an entry in ClinVar:

NM_032806.6(POMGNT2):c.473G>A (p.Arg158His)

Gene: POMGNT2 (protein O-linked mannose N-acetylglucosaminyltransferase 2 (beta 1,4-); minus strand). Cytogenetic location: 3p22.1.
Variant type: single nucleotide variant.
Coding change: c.473G>A on transcript NM_032806.6 (MANE Select); coding-DNA position 473, G replaced by A.
Protein change: p.Arg158His; replaces arginine 158 with histidine.
Molecular consequence: missense variant.
Genome position (GRCh38, 1-based): chr3:43,080,959, C>T on the plus strand (G>A on the coding strand, the complement: POMGNT2 is on the minus strand). VCF-style: chr3-43080959-C-T. GRCh37 (hg19) VCF-style: chr3-43122451-C-T.
Other names: short protein forms R158H.
Identifiers: ClinVar variation 37208 (VCV000037208.12), dbSNP rs387907300, ClinGen allele CA130107.

ClinVar aggregate classification (germline): Conflicting classifications of pathogenicity. Review status: criteria provided, conflicting classifications (1 of 4 stars). 5 submissions from 4 submitters: Likely pathogenic (2); Uncertain significance (1). 2 of the submissions do not count toward it. Last evaluated 2025-09-10.

Conditions:
Muscular dystrophy-dystroglycanopathy (limb-girdle), type C, 8. Also called: MUSCULAR DYSTROPHY, LIMB-GIRDLE, AUTOSOMAL RECESSIVE 24; MUSCULAR DYSTROPHY-DYSTROGLYCANOPATHY, LIMB-GIRDLE, POMGNT2-RELATED. Identifiers: MedGen C4748320, MONDO:0029135, OMIM 618135.
Muscular dystrophy-dystroglycanopathy (congenital with brain and eye anomalies), type a, 8 (MDDGA8). Also called: WALKER-WARBURG SYNDROME OR MUSCLE-EYE-BRAIN DISEASE, GTDC2-RELATED. Identifiers: Orphanet 899, MedGen C3553813, MONDO:0013904, OMIM 614830.
Severe hydrocephalus. Identifiers: MedGen C3278123, HP:0006882.
Neonatal death. Also called: neonatal demise. Identifiers: MedGen C0410916, HP:0003811.

Allele frequency attached by ClinVar (database versions not stated): ExAC 0.00001; gnomAD exomes 0.00001.

Submissions (5):

Genomic Medicine Center of Excellence, King Faisal Specialist Hospital and Research Centre
Classification: Likely pathogenic for Muscular dystrophy-dystroglycanopathy (limb-girdle), type C, 8. Last evaluated: 2025-09-10. Review status: criteria provided, single submitter. Criteria: ACMG Guidelines, 2015. Collection method: clinical testing. Allele origin: germline.

Labcorp Genetics (formerly Invitae), Labcorp
Classification: Uncertain significance for Muscular dystrophy-dystroglycanopathy (congenital with brain and eye anomalies), type a, 8. Last evaluated: 2021-12-02. Review status: criteria provided, single submitter. Criteria: Invitae Variant Classification Sherloc (09022015). Collection method: clinical testing. Allele origin: germline.
Comment: In summary, the available evidence is currently insufficient to determine the role of this variant in disease. Therefore, it has been classified as a Variant of Uncertain Significance. Experimental studies have shown that this missense change affects POMGNT2 function (PMID: 22958903). Algorithms developed to predict the effect of missense changes on protein structure and function (SIFT, PolyPhen-2, Align-GVGD) all suggest that this variant is likely to be disruptive. ClinVar contains an entry for this variant (Variation ID: 37208). This missense change has been observed in individuals with muscular dystrophy-dystroglycanopathy (PMID: 22958903, 31130284). This variant is present in population databases (rs387907300, gnomAD 0.01%). This sequence change replaces arginine, which is basic and polar, with histidine, which is basic and polar, at codon 158 of the POMGNT2 protein (p.Arg158His).

Revvity Omics, Revvity
Classification: Likely pathogenic. Last evaluated: 2021-08-04. Review status: criteria provided, single submitter. Criteria: ACMG Guidelines, 2015. Collection method: clinical testing. Allele origin: germline.

Genomic Medicine Center of Excellence, King Faisal Specialist Hospital and Research Centre
Classification: Likely pathogenic for Neonatal death; Severe hydrocephalus. Last evaluated: 2014-12-01. Review status: no assertion criteria provided. Criteria: research. Collection method: research. Allele origin: germline. Affected: yes. Not counted in ClinVar's aggregate classification.

OMIM
Classification: Pathogenic for MUSCULAR DYSTROPHY-DYSTROGLYCANOPATHY (CONGENITAL WITH BRAIN AND EYE ANOMALIES), TYPE A, 8. Last evaluated: 2012-09-07. Review status: no assertion criteria provided. Collection method: literature only. Allele origin: germline. Not counted in ClinVar's aggregate classification.

Literature cited by the submitters: PubMed 22958903 (cited by Labcorp Genetics (formerly Invitae), Labcorp and OMIM); PubMed 31130284 (cited by Labcorp Genetics (formerly Invitae), Labcorp); PubMed 25558065 (cited by Genomic Medicine Center of Excellence, King Faisal Specialist Hospital and Research Centre).